The following is an entry in ClinVar:

ClinVar aggregate classification (germline): Likely benign. Review status: reviewed by expert panel (3 of 4 stars). 2 submissions from 2 submitters: Likely benign (1). 1 of the submissions does not count toward it. Last evaluated 2023-02-28.

Conditions:
Very long chain acyl-CoA dehydrogenase deficiency (ACADVLD). Also called: VLCAD Deficiency; Very Long-Chain Acyl-Coenzyme A Dehydrogenase Deficiency. Identifiers: Orphanet 26793, MedGen C3887523, MONDO:0008723, OMIM 201475.

Submissions (2):

ClinGen ACADVL Variant Curation Expert Panel, ClinGen
Classification: Likely benign for Very long chain acyl-CoA dehydrogenase deficiency. Last evaluated: 2023-02-28. Review status: reviewed by expert panel. Criteria: clingen acadvl acmg specifications v1. Collection method: curation. Allele origin: germline. Inheritance: Autosomal recessive inheritance.
Comment: The c.96G>A (p.Arg32=) variant is a synonymous (silent) variant that is not predicted by MaxEntScn and NNSplice to impact splicing. In addition, it occurs at a nucleotide that is not conserved as shown by phyloP (BP4, BP7). This variant is absent from gnomAD v.2.1.1; however, this is not considered conflicting evidence with BP4 and BP7. In summary, this variant meets the criteria to be classified as likely benign for autosomal recessive very long chain acyl-CoA dehydrogenase (VLCAD) deficiency based on the ACMG/AMP criteria applied, as specified by the ClinGen ACADVL Variant Curation Expert Panel: BP4, BP7. (ACADVL VCEP specifications version 1; approved February 28, 2023)

Labcorp Genetics (formerly Invitae), Labcorp
Classification: Likely benign for Very long chain acyl-CoA dehydrogenase deficiency. Last evaluated: 2020-10-08. Review status: criteria provided, single submitter. Criteria: Invitae Variant Classification Sherloc (09022015). Collection method: clinical testing. Allele origin: germline. Not counted in ClinVar's aggregate classification.

NM_000018.4(ACADVL):c.96G>A (p.Arg32=)

Genes: ACADVL (acyl-CoA dehydrogenase very long chain; plus strand), LOC130060113 (ATAC-STARR-seq lymphoblastoid silent region 8088; plus strand). Cytogenetic location: 17p13.1.
Variant type: single nucleotide variant.
Coding change: c.96G>A on transcript NM_000018.4 (MANE Select); coding-DNA position 96, G replaced by A.
Protein change: p.Arg32=; no amino-acid change (arginine 32 retained).
Molecular consequence: synonymous variant. On other transcripts: 5 prime UTR variant (1).
Genome position (GRCh38, 1-based): chr17:7,220,155, G>A. VCF-style: chr17-7220155-G-A. GRCh37 (hg19) VCF-style: chr17-7123474-G-A.
Other names: NM_000018.4(ACADVL):c.96G>A; p.Arg32=; c.96G>A, p.Arg32= (NM_001033859.3); c.165G>A, p.Arg55= (NM_001270447.2); c.-133G>A (NM_001270448.2).
Identifiers: ClinVar variation 1087851 (VCV001087851.9), dbSNP rs1243371051, ClinGen allele CA497619538.